The following is an entry in ClinVar:

NM_005902.4(SMAD3):c.1265C>A (p.Ser422Tyr)

Gene: SMAD3 (SMAD family member 3; plus strand). Cytogenetic location: 15q22.33.
Variant type: single nucleotide variant.
Coding change: c.1265C>A on transcript NM_005902.4 (MANE Select); coding-DNA position 1265, C replaced by A.
Protein change: p.Ser422Tyr; replaces serine 422 with tyrosine.
Molecular consequence: missense variant.
Genome position (GRCh38, 1-based): chr15:67,190,523, C>A. VCF-style: chr15-67190523-C-A. GRCh37 (hg19) VCF-style: chr15-67482861-C-A.
Other names: c.950C>A, p.Ser317Tyr (NM_001145102.2); c.1133C>A, p.Ser378Tyr (NM_001145103.2); c.680C>A, p.Ser227Tyr (NM_001145104.2); short protein forms S422Y, S317Y, S378Y, S227Y.
Identifiers: ClinVar variation 572575 (VCV000572575.8), dbSNP rs1567005581, ClinGen allele CA392959022.
Genomic context (GRCh38, chr15:67,190,523, plus strand): 5'-GGCCTTTGCAGTGGCTTGACAAGGTCCTCACCCAGATGGGCTCCCCAAGCATCCGCTGTT[C>A]CAGTGTGTCTTAGAGACATCAAGTATGGTAGGGGAGGGCAGGCTTGGGGAAAATGGCCAT-3'
Protein context (NP_005893.1, residues 412-425): TQMGSPSIRC[Ser422Tyr]SVS

ClinVar aggregate classification (germline): Uncertain significance (1 of 4 stars; one submission).

Conditions:
Familial thoracic aortic aneurysm and aortic dissection (TAAD). Also called: Thoracic aortic aneurysms and dissections. Identifiers: Orphanet 91387, MedGen C4707243, MONDO:0019625.

Submission:

Labcorp Genetics (formerly Invitae), Labcorp
Classification: Uncertain significance for Familial thoracic aortic aneurysm and aortic dissection. Last evaluated: 2018-03-16. Review status: criteria provided, single submitter. Criteria: Invitae Variant Classification Sherloc (09022015). Collection method: clinical testing. Allele origin: germline.
Comment: This variant is not present in population databases (ExAC no frequency). This sequence change replaces serine with tyrosine at codon 422 of the SMAD3 protein (p.Ser422Tyr). The serine residue is highly conserved and there is a large physicochemical difference between serine and tyrosine. In summary, the available evidence is currently insufficient to determine the role of this variant in disease. Therefore, it has been classified as a Variant of Uncertain Significance. Algorithms developed to predict the effect of missense changes on protein structure and function do not agree on the potential impact of this missense change (SIFT: "Deleterious"; PolyPhen-2: "Probably Damaging"; Align-GVGD: "Class C0"). This variant has not been reported in the literature in individuals with SMAD3-related disease.